The following is an entry in ClinVar:

NM_001122630.2(CDKN1C):c.556G>T (p.Ala186Ser)

Gene: CDKN1C (cyclin dependent kinase inhibitor 1C; minus strand). Cytogenetic location: 11p15.4.
Variant type: single nucleotide variant.
Coding change: c.556G>T on transcript NM_001122630.2 (MANE Select); coding-DNA position 556, G replaced by T.
Protein change: p.Ala186Ser; replaces alanine 186 with serine.
Molecular consequence: missense variant. On other transcripts: intron variant (1).
Genome position (GRCh38, 1-based): chr11:2,884,901, C>A on the plus strand (G>T on the coding strand, the complement: CDKN1C is on the minus strand). VCF-style: chr11-2884901-C-A. GRCh37 (hg19) VCF-style: chr11-2906131-C-A.
Other names: c.589G>T, p.Ala197Ser (NM_000076.2, NM_001362474.2); c.556G>T, p.Ala186Ser (NM_001122631.2); c.255+301G>T (NM_001362475.2); short protein forms A197S, A186S.
Identifiers: ClinVar variation 1413417 (VCV001413417.8), dbSNP rs2133783528, ClinGen allele CA379146390.

ClinVar aggregate classification (germline): Uncertain significance (1 of 4 stars; one submission).

Conditions:
Beckwith-Wiedemann syndrome (BWS). Also called: Exomphalos macroglossia gigantism syndrome; EMG SYNDROME. Identifiers: Orphanet 116, MedGen C0004903, MONDO:0007534, OMIM 130650.

Allele frequency attached by ClinVar (database versions not stated): gnomAD exomes below 0.00001.

Submission:

Labcorp Genetics (formerly Invitae), Labcorp
Classification: Uncertain significance for Beckwith-Wiedemann syndrome. Last evaluated: 2021-03-09. Review status: criteria provided, single submitter. Criteria: Invitae Variant Classification Sherloc (09022015). Collection method: clinical testing. Allele origin: germline.
Comment: This sequence change replaces alanine with serine at codon 197 of the CDKN1C protein (p.Ala197Ser). The alanine residue is weakly conserved and there is a moderate physicochemical difference between alanine and serine. The frequency data for this variant in the population databases is considered unreliable, as metrics indicate insufficient coverage at this position in the ExAC database. This variant has not been reported in the literature in individuals with CDKN1C-related conditions. Algorithms developed to predict the effect of missense changes on protein structure and function are either unavailable or do not agree on the potential impact of this missense change (SIFT: "Tolerated"; PolyPhen-2: "Not Available"; Align-GVGD: "Class C0"). In summary, the available evidence is currently insufficient to determine the role of this variant in disease. Therefore, it has been classified as a Variant of Uncertain Significance.